The following is an entry in ClinVar:

ClinVar aggregate classification (germline): Pathogenic (1 of 4 stars; one submission).

Conditions:
Familial adenomatous polyposis 1 (FAP1). Also called: FAMILIAL ADENOMATOUS POLYPOSIS 1, ATTENUATED; POLYPOSIS, ADENOMATOUS INTESTINAL. Identifiers: MedGen C2713442, MONDO:0021056, OMIM 175100. Disease mechanism: loss of function.

Submission:

Labcorp Genetics (formerly Invitae), Labcorp
Classification: Pathogenic for Familial adenomatous polyposis 1. Last evaluated: 2020-12-27. Review status: criteria provided, single submitter. Criteria: Invitae Variant Classification Sherloc (09022015). Collection method: clinical testing. Allele origin: germline.
Comment: For these reasons, this variant has been classified as Pathogenic. This variant disrupts the C-terminus of the APC protein. Other variant(s) that disrupt this region (p.Tyr2645Lysfs*14) have been determined to be pathogenic (PMID: 9824584, 1316610, 27081525, 8381579, 22135120, Invitae). This suggests that variants that disrupt this region of the protein are likely to be causative of disease. This variant is expected to disrupt the EB1 and HDLG binding sites, which mediate interactions with the cytoskeleton (PMID: 15311282, 17293347). While functional studies have not been performed to directly test the effect on APC protein function, this suggests that disruption of the C-terminal portion of the protein is functionally important. This variant has not been reported in the literature in individuals with APC-related conditions. This variant is not present in population databases (ExAC no frequency). This sequence change creates a premature translational stop signal (p.Ile1926Thrfs*22) in the APC gene. While this is not anticipated to result in nonsense mediated decay, it is expected to disrupt the last 918 amino acid(s) of the APC protein.

Literature cited by the submitters: PubMed 9824584; PubMed 1316610; PubMed 27081525; PubMed 8381579; PubMed 22135120; PubMed 15311282; PubMed 17293347.

NM_000038.6(APC):c.5777_5778del (p.Ile1926fs)

Gene: APC (APC regulator of Wnt signaling pathway; plus strand). Cytogenetic location: 5q22.2.
Variant type: Deletion.
Coding change: c.5777_5778del on transcript NM_000038.6 (MANE Select); coding-DNA positions 5777 to 5778, 2 bases deleted (TA; older notation c.5777_5778delTA).
Protein change: p.Ile1926fs; shifts the reading frame from isoleucine 1926.
Molecular consequence: frameshift variant.
Genome position (GRCh38, 1-based): chr5:112,841,371-112,841,372, TA deleted; deleting any 2 consecutive bases within chr5:112,841,370-112,841,372 gives the same sequence; the c. name uses the placement nearest the transcript's 3' end. VCF-style (leftmost placement, unchanged base first): chr5-112841369-CAT-C. GRCh37 (hg19) VCF-style: chr5-112177066-CAT-C.
Other names: c.5777_5778del, p.Ile1926fs (NM_001127510.3, NM_001354895.2); c.5723_5724del, p.Ile1908fs (NM_001127511.3); c.5831_5832del, p.Ile1944fs (NM_001354896.2); c.5807_5808del, p.Ile1936fs (NM_001354897.2); c.5702_5703del, p.Ile1901fs (NM_001354898.2); c.5693_5694del, p.Ile1898fs (NM_001354899.2); c.5654_5655del, p.Ile1885fs (NM_001354900.2); c.5600_5601del, p.Ile1867fs (NM_001354901.2); and 5 more; short protein forms I1643fs, I1800fs, I1835fs, I1901fs, I1908fs, I1766fs, I1825fs, I1898fs.
Identifiers: ClinVar variation 656752 (VCV000656752.10), dbSNP rs1580663714, ClinGen allele CA915943503.
Genomic context (GRCh38, chr5:112,841,369, plus strand): 5'-ATCAGCTAATAAGACACAAGCTATTGCAAAGCAGCCAATAAATCGAGGTCAGCCTAAACC[CAT>C]ACTTCAGAAACAATCCACTTTTCCCCAGTCATCCAAAGACATACCAGACAGAGGGGCAGC-3'